The following is an entry in ClinVar:

ClinVar aggregate classification (germline): Likely pathogenic (1 of 4 stars; one submission).

Submission:

MVZ Dr. Eberhard & Partner Dortmund
Classification: Likely pathogenic. Last evaluated: 2022-02-21. Review status: criteria provided, single submitter. Criteria: ACMG Guidelines, 2015. Collection method: clinical testing. Allele origin: unknown. Observed: 1 heterozygote.
Comment: This sequence change from G to T leads to a premature STOP codon at Glu790. Due to the nonsense mutation and the possibility of nonsense mediated decay, a null variant with loss of function is created. Therefore the mutation is a null variant in a gene where loss of function is a known mechanism of disease. This mutation is also absent from controls in Exome Sequencing Project. This variant is considered to be likely pathogenic according to the ACMG guidelines.

NM_001355436.2(SPTB):c.2368G>T (p.Glu790Ter)

Gene: SPTB (spectrin beta, erythrocytic; minus strand). Cytogenetic location: 14q23.3.
Variant type: single nucleotide variant.
Coding change: c.2368G>T on transcript NM_001355436.2 (MANE Select); coding-DNA position 2368, G replaced by T.
Protein change: p.Glu790Ter; replaces glutamic acid 790 with a stop codon.
Molecular consequence: nonsense.
Genome position (GRCh38, 1-based): chr14:64,793,295, C>A on the plus strand (G>T on the coding strand, the complement: SPTB is on the minus strand). VCF-style: chr14-64793295-C-A. GRCh37 (hg19) VCF-style: chr14-65260013-C-A.
Other names: c.2368G>T, p.Glu790Ter (NM_001024858.4, NM_001355437.2); short protein forms E790*.
Identifiers: ClinVar variation 1676819 (VCV001676819.2), dbSNP rs2139593716, ClinGen allele CA390017757.
Genomic context (GRCh38, chr14:64,793,295, plus strand): 5'-GGAATCCCTGGGCCTGCTGCTCCAGGTGCTCCATCACCCCACGGCTCTCCTCCAGCTCCT[C>A]CAGGAAGTCCTTGTGCTTTTTCCCCAGGGCCCGCGTGGCCCCTTCGTCCTGCCCCACATC-3'